The following is an entry in ClinVar:

NM_003900.5(SQSTM1):c.674-8A>G

Gene: SQSTM1 (sequestosome 1; plus strand). Cytogenetic location: 5q35.3.
Variant type: single nucleotide variant.
Coding change: c.674-8A>G on transcript NM_003900.5 (MANE Select); 8 bases into the intron before coding-DNA position 674, A replaced by G.
Molecular consequence: intron variant.
Genome position (GRCh38, 1-based): chr5:179,825,138, A>G. VCF-style: chr5-179825138-A-G. GRCh37 (hg19) VCF-style: chr5-179252138-A-G.
Other names: c.674-8A>G (NM_003900.4); c.422-8A>G (NM_001142298.2, NM_001142299.2).
Identifiers: ClinVar variation 2932081 (VCV002932081.4), dbSNP rs768546624, ClinGen allele CA3600610.

ClinVar aggregate classification (germline): Uncertain significance. Review status: criteria provided, single submitter (1 of 4 stars). 2 submissions from 2 submitters: Uncertain significance (1). 1 of the submissions does not count toward it. Last evaluated 2023-12-19.

Conditions:
Frontotemporal dementia and/or amyotrophic lateral sclerosis 1 (FTDALS1). Also called: C9orf72 Frontotemporal Dementia and/or Amyotrophic Lateral Sclerosis; Frontotemporal dementia with motor neuron disease 1. Identifiers: Orphanet 275872, MedGen C5779877, MONDO:0007105, OMIM 105550.
Paget disease of bone 2, early-onset (PDB2). Also called: Paget disease of bone 2. Identifiers: MedGen C4085251, MONDO:0011183, OMIM 602080.
SQSTM1-related disorder. Also called: SQSTM1-Related Disorders.

Allele frequency attached by ClinVar (database versions not stated): gnomAD exomes below 0.00001; ExAC 0.00001; gnomAD 0.00001; TOPMed 0.00002.
gnomAD v4.1: 3 of 1,613,724 alleles (0.00019%); highest among the groups gnomAD compares: African/African-American, 0.004%; no homozygotes.

Submissions (2):

Labcorp Genetics (formerly Invitae), Labcorp
Classification: Uncertain significance for Paget disease of bone 2, early-onset; Frontotemporal dementia and/or amyotrophic lateral sclerosis 1. Last evaluated: 2023-12-19. Review status: criteria provided, single submitter. Criteria: Invitae Variant Classification Sherloc (09022015). Collection method: clinical testing. Allele origin: germline.
Comment: This sequence change falls in intron 4 of the SQSTM1 gene. It does not directly change the encoded amino acid sequence of the SQSTM1 protein. The frequency data for this variant in the population databases is considered unreliable, as metrics indicate poor data quality at this position in the gnomAD database. This variant has not been reported in the literature in individuals affected with SQSTM1-related conditions. Algorithms developed to predict the effect of sequence changes on RNA splicing suggest that this variant may disrupt the consensus splice site. In summary, the available evidence is currently insufficient to determine the role of this variant in disease. Therefore, it has been classified as a Variant of Uncertain Significance.

PreventionGenetics, part of Exact Sciences
Classification: Uncertain significance for SQSTM1-related condition. Last evaluated: 2024-05-03. Review status: no assertion criteria provided. Collection method: clinical testing. Allele origin: germline. Not counted in ClinVar's aggregate classification.
Comment: The SQSTM1 c.674-8A>G variant is predicted to interfere with splicing. To our knowledge, this variant has not been reported in the literature. This variant is reported in 0.0080% of alleles in individuals of African descent in gnomAD. At this time, the clinical significance of this variant is uncertain due to the absence of conclusive functional and genetic evidence.